The following is an entry in ClinVar:

ClinVar aggregate classification (germline): Pathogenic (1 of 4 stars; one submission).

Conditions:
Metaphyseal chondrodysplasia-retinitis pigmentosa syndrome. Also called: Retinitis pigmentosa with or without skeletal anomalies. Identifiers: Orphanet 166035, MedGen C1855188, MONDO:0009598, OMIM 250410.

Submission:

Juno Genomics, Hangzhou Juno Genomics, Inc
Classification: Pathogenic for Metaphyseal chondrodysplasia-retinitis pigmentosa syndrome. Review status: criteria provided, single submitter. Criteria: ACMG Guidelines, 2015. Collection method: clinical testing. Allele origin: germline.
Comment: Absent from controls (or at extremely low frequency if recessive) in Genome Aggregation Database.;Null variant in a gene where loss of function (LOF) is a known mechanism of disease.;For recessive disorders, detected in trans with a pathogenic variant.

NM_005869.4(CWC27):c.750-1G>C

Gene: CWC27 (CWC27 spliceosome associated cyclophilin; plus strand). Cytogenetic location: 5q12.3.
Variant type: single nucleotide variant.
Coding change: c.750-1G>C on transcript NM_005869.4 (MANE Select); the canonical splice acceptor site of the intron before coding-DNA position 750, G replaced by C.
Molecular consequence: splice acceptor variant.
Genome position (GRCh38, 1-based): chr5:64,801,301, G>C. VCF-style: chr5-64801301-G-C. GRCh37 (hg19) VCF-style: chr5-64097128-G-C.
Other names: c.750-1G>C (NM_001297644.1, NM_001364478.1, NM_001318000.2 and 1 more transcripts).
Identifiers: ClinVar variation 5019345 (VCV005019345.2).